The following is an entry in ClinVar:

NM_153603.4(COG7):c.1293-5G>A

Gene: COG7 (component of oligomeric golgi complex 7; minus strand). Cytogenetic location: 16p12.2.
Variant type: single nucleotide variant.
Coding change: c.1293-5G>A on transcript NM_153603.4 (MANE Select); 5 bases into the intron before coding-DNA position 1293, G replaced by A.
Molecular consequence: intron variant.
Genome position (GRCh38, 1-based): chr16:23,413,569, C>T on the plus strand (G>A on the coding strand, the complement: COG7 is on the minus strand). VCF-style: chr16-23413569-C-T. GRCh37 (hg19) VCF-style: chr16-23424890-C-T.
Identifiers: ClinVar variation 2414322 (VCV002414322.6), dbSNP rs371389811, ClinGen allele CA7961018.

ClinVar aggregate classification (germline): Uncertain significance (1 of 4 stars; one submission).

Conditions:
COG7 congenital disorder of glycosylation (CDG2E). Also called: CONGENITAL DISORDER OF GLYCOSYLATION, TYPE IIe; CDG IIe. Identifiers: Orphanet 79333, MedGen C2931010, MONDO:0012118, OMIM 608779.

Allele frequency attached by ClinVar (database versions not stated): gnomAD 0.00002; TOPMed 0.00002; ExAC 0.00004; ESP Exome Variant Server 0.00008.
gnomAD v4.1: 28 of 1,521,684 alleles (0.0018%); highest among the groups gnomAD compares: Admixed American, 0.0084%; no homozygotes.

Submission:

Labcorp Genetics (formerly Invitae), Labcorp
Classification: Uncertain significance for COG7 congenital disorder of glycosylation. Last evaluated: 2022-07-11. Review status: criteria provided, single submitter. Criteria: Invitae Variant Classification Sherloc (09022015). Collection method: clinical testing. Allele origin: germline.
Comment: This variant has not been reported in the literature in individuals affected with COG7-related conditions. This sequence change falls in intron 9 of the COG7 gene. It does not directly change the encoded amino acid sequence of the COG7 protein. This variant is present in population databases (rs371389811, gnomAD 0.02%). Algorithms developed to predict the effect of sequence changes on RNA splicing suggest that this variant may create or strengthen a splice site. In summary, the available evidence is currently insufficient to determine the role of this variant in disease. Therefore, it has been classified as a Variant of Uncertain Significance.